The following is an entry in ClinVar:

ClinVar aggregate classification (germline): Pathogenic (1 of 4 stars; one submission).

Conditions:
Congenital sideroblastic anemia-B-cell immunodeficiency-periodic fever-developmental delay syndrome. Also called: Sideroblastic anemia with B-cell immunodeficiency, periodic fevers, and developmental delay. Identifiers: Orphanet 369861, MedGen C4015172, MONDO:0014487, OMIM 616084.

Submission:

Labcorp Genetics (formerly Invitae), Labcorp
Classification: Pathogenic for Congenital sideroblastic anemia-B-cell immunodeficiency-periodic fever-developmental delay syndrome. Last evaluated: 2022-07-06. Review status: criteria provided, single submitter. Criteria: Invitae Variant Classification Sherloc (09022015). Collection method: clinical testing. Allele origin: germline.
Comment: This sequence change creates a premature translational stop signal (p.Gly397Alafs*32) in the TRNT1 gene. While this is not anticipated to result in nonsense mediated decay, it is expected to disrupt the last 38 amino acid(s) of the TRNT1 protein. This variant is not present in population databases (gnomAD no frequency). This variant has not been reported in the literature in individuals affected with TRNT1-related conditions. ClinVar contains an entry for this variant (Variation ID: 1417619). This variant disrupts a region of the TRNT1 protein in which other variant(s) (p.Ser418Lysfs*9) have been determined to be pathogenic (PMID: 25193871, 26494905, 29358286; Invitae). This suggests that this is a clinically significant region of the protein, and that variants that disrupt it are likely to be disease-causing. For these reasons, this variant has been classified as Pathogenic.

Literature cited by the submitters: PubMed 25193871; PubMed 26494905; PubMed 29358286.

NM_182916.3(TRNT1):c.1190del (p.Gly397fs)

Gene: TRNT1 (tRNA nucleotidyl transferase 1; plus strand). Cytogenetic location: 3p26.2.
Variant type: Deletion.
Coding change: c.1190del on transcript NM_182916.3 (MANE Select); coding-DNA position 1190, one base deleted (G; older notation c.1190delG).
Protein change: p.Gly397fs; shifts the reading frame from glycine 397.
Molecular consequence: frameshift variant. On other transcripts: non-coding transcript variant (8).
Genome position (GRCh38, 1-based): chr3:3,148,039, G deleted; the last of 3 consecutive G bases (chr3:3,148,037-3,148,039); deleting any one gives the same sequence. VCF-style (leftmost placement, unchanged base first): chr3-3148036-TG-T. GRCh37 (hg19) VCF-style: chr3-3189720-TG-T.
Other names: c.1130del, p.Gly377fs (NM_001302946.2); c.1190del, p.Gly397fs (NM_001367321.1, NM_001367322.1, NM_001367323.1); short protein forms G397fs, G377fs.
Identifiers: ClinVar variation 1417619 (VCV001417619.6), dbSNP rs2126038249, ClinGen allele CA2573136002.